The following is an entry in ClinVar:

NM_001065.4(TNFRSF1A):c.40-3C>T

Gene: TNFRSF1A (TNF receptor superfamily member 1A; minus strand). Cytogenetic location: 12p13.31.
Variant type: single nucleotide variant.
Coding change: c.40-3C>T on transcript NM_001065.4 (MANE Select); 3 bases into the intron before coding-DNA position 40, C replaced by T.
Molecular consequence: intron variant.
Genome position (GRCh38, 1-based): chr12:6,334,247, G>A on the plus strand (C>T on the coding strand, the complement: TNFRSF1A is on the minus strand). VCF-style: chr12-6334247-G-A. GRCh37 (hg19) VCF-style: chr12-6443413-G-A.
Other names: p.?; c.-131-382C>T (NM_001346091.2); c.-538-3C>T (NM_001346092.2).
Identifiers: ClinVar variation 4541690 (VCV004541690.2).

ClinVar aggregate classification (germline): Uncertain significance. Review status: criteria provided, multiple submitters, no conflicts (2 of 4 stars). 2 submissions from 2 submitters: Uncertain significance (2). Last evaluated 2025-12-26.

Conditions:
TNF receptor-associated periodic fever syndrome (TRAPS) (FPF). Also called: FAMILIAL HIBERNIAN FEVER; TNF RECEPTOR-ASSOCIATED PERIODIC SYNDROME; TUMOR NECROSIS FACTOR RECEPTOR-ASSOCIATED PERIODIC SYNDROME; Autosomal Dominant Familial Periodic Fever; TNF Receptor-Associated Periodic Fever Syndrome; TNF receptor 1-associated periodic fever syndrome. Identifiers: Orphanet 32960, MedGen C1275126, MONDO:0007727, OMIM 142680.

gnomAD v4.1: 8 of 1,612,682 alleles (0.0005%); highest among the groups gnomAD compares: South Asian, 0.0022%; no homozygotes.

Submissions (2):

Labcorp Genetics (formerly Invitae), Labcorp
Classification: Uncertain significance for TNF receptor-associated periodic fever syndrome (TRAPS). Last evaluated: 2025-12-26. Review status: criteria provided, single submitter. Criteria: Invitae Variant Classification Sherloc (09022015). Collection method: clinical testing. Allele origin: germline.
Comment: This sequence change falls in intron 1 of the TNFRSF1A gene. It does not directly change the encoded amino acid sequence of the TNFRSF1A protein. It affects a nucleotide within the consensus splice site. This variant is present in population databases (no rsID available, gnomAD 0.003%). This variant has not been reported in the literature in individuals affected with TNFRSF1A-related conditions. Variants that disrupt the consensus splice site are a relatively common cause of aberrant splicing (PMID: 17576681, 9536098). Algorithms developed to predict the effect of sequence changes on RNA splicing suggest that this variant is not likely to affect RNA splicing. In summary, the available evidence is currently insufficient to determine the role of this variant in disease. Therefore, it has been classified as a Variant of Uncertain Significance.

Mayo Clinic Laboratories, Mayo Clinic
Classification: Uncertain significance. Last evaluated: 2025-06-21. Review status: criteria provided, single submitter. Criteria: ACMG Guidelines, 2015. Collection method: clinical testing. Allele origin: germline. Observed: 1 variant allele.
Comment: BP4

Literature cited by the submitters: PubMed 17576681 (cited by Labcorp Genetics (formerly Invitae), Labcorp); PubMed 9536098 (cited by Labcorp Genetics (formerly Invitae), Labcorp).